The following is an entry in ClinVar:

ClinVar aggregate classification (germline): Uncertain significance (1 of 4 stars; one submission).

Submission:

GeneDx
Classification: Uncertain significance. Last evaluated: 2023-12-20. Review status: criteria provided, single submitter. Criteria: GeneDx Variant Classification Process June 2021. Collection method: clinical testing. Allele origin: germline. Affected: yes.
Comment: Not observed at significant frequency in large population cohorts (gnomAD); In silico analysis supports that this missense variant has a deleterious effect on protein structure/function; Has not been previously published as pathogenic or benign to our knowledge

NM_003024.3(ITSN1):c.272G>T (p.Gly91Val)

Gene: ITSN1 (intersectin 1; plus strand). Cytogenetic location: 21q22.11.
Variant type: single nucleotide variant.
Coding change: c.272G>T on transcript NM_003024.3 (MANE Select); coding-DNA position 272, G replaced by T.
Protein change: p.Gly91Val; replaces glycine 91 with valine.
Molecular consequence: missense variant.
Genome position (GRCh38, 1-based): chr21:33,735,130, G>T. VCF-style: chr21-33735130-G-T. GRCh37 (hg19) VCF-style: chr21-35107435-G-T.
Other names: c.272G>T, p.Gly91Val (NM_001001132.2, NM_001331008.2, NM_001331009.2 and 3 more transcripts); short protein forms G91V.
Identifiers: ClinVar variation 3370152 (VCV003370152.1).
Genomic context (GRCh38, chr21:33,735,130, plus strand): 5'-GAAGAATGGATCAAGTGGAGTTTTCCATAGCTATGAAACTTATCAAACTGAAGCTACAAG[G>T]ATATCAGCTACCCTCTGCACTTCCCCCTGTCATGAAACAGCAACCAGTTGCTATTTCTAG-3'
Protein context (NP_003015.2, residues 81-101): AMKLIKLKLQ[Gly91Val]YQLPSALPPV